The following is an entry in ClinVar:

NC_000001.10:g.(?_155877093)_(155880300_?)del

Gene: RIT1 (Ras like without CAAX 1; minus strand). Cytogenetic location: 1q22.
Variant type: Deletion.
Identifiers: ClinVar variation 2425658 (VCV002425658.4).

ClinVar aggregate classification (germline): Uncertain significance (1 of 4 stars; one submission).

Conditions:
Noonan syndrome 8 (NS8). Identifiers: Orphanet 648, MedGen C3809233, MONDO:0014143, OMIM 615355.

Submission:

Labcorp Genetics (formerly Invitae), Labcorp
Classification: Uncertain significance for Noonan syndrome 8. Last evaluated: 2022-10-17. Review status: criteria provided, single submitter. Criteria: Invitae Variant Classification Sherloc (09022015). Collection method: clinical testing. Allele origin: germline.
Comment: In summary, the available evidence is currently insufficient to determine the role of this variant in disease. Therefore, it has been classified as a Variant of Uncertain Significance. Experimental studies and prediction algorithms are not available or were not evaluated, and the functional significance of this variant is currently unknown. This variant has not been reported in the literature in individuals affected with RIT1-related conditions. This variant is a gross deletion of the genomic region encompassing exon(s) 3 of the RIT1 gene. This variant would be expected to be in-frame, preserving the integrity of the reading frame.